The following is an entry in ClinVar:

NM_003086.4(SNAPC4):c.3876G>C (p.Val1292=)

Gene: SNAPC4 (small nuclear RNA activating complex polypeptide 4; minus strand). Cytogenetic location: 9q34.3.
Variant type: single nucleotide variant.
Coding change: c.3876G>C on transcript NM_003086.4 (MANE Select); coding-DNA position 3876, G replaced by C.
Protein change: p.Val1292=; no amino-acid change (valine 1292 retained).
Molecular consequence: synonymous variant.
Genome position (GRCh38, 1-based): chr9:136,377,951, C>G on the plus strand (G>C on the coding strand, the complement: SNAPC4 is on the minus strand). VCF-style: chr9-136377951-C-G. GRCh37 (hg19) VCF-style: chr9-139272403-C-G.
Other names: c.3876G>C, p.Val1292= (NM_001394201.1); c.3792G>C, p.Val1264= (NM_001394202.1, NM_001394203.1).
Identifiers: ClinVar variation 4535094 (VCV004535094.6).
Genomic context (GRCh38, chr9:136,377,951, plus strand): 5'-TCGCAGGCTGCACAGGGCTGGGGGCTGATAGGGCAGTCTGCTGCCCAGAAGAGGCACACG[C>G]ACCCCCCGCTGGCCCCCCAGCCACTGCTGTGTGGCCGCCTCGCCCTCCTGGGACAGCAGG-3'
Protein context (NP_003077.2, residues 1282-1302): TQQWLGGQRG[Val1292=]RVPLLGSRLP

ClinVar aggregate classification (germline): Likely benign (1 of 4 stars; one submission).

Submission:

CeGaT Center for Human Genetics Tuebingen
Classification: Likely benign. Last evaluated: 2025-11-01. Review status: criteria provided, single submitter. Criteria: CeGaT Center For Human Genetics Tuebingen Variant Classification Criteria Version 2. Collection method: clinical testing. Allele origin: germline. Affected: yes. Observed: 1 variant allele.
Comment: SNAPC4: PM2:Supporting, BP4, BP7